The following is an entry in ClinVar:

ClinVar aggregate classification (germline): Uncertain significance (1 of 4 stars; one submission).

Allele frequency attached by ClinVar (database versions not stated): gnomAD exomes below 0.00001; gnomAD 0.00001; TOPMed 0.00001.
gnomAD v4.1: 3 of 1,596,796 alleles (0.00019%); highest among the groups gnomAD compares: Non-Finnish European, 0.00026%; no homozygotes.

Submission:

Labcorp Genetics (formerly Invitae), Labcorp
Classification: Uncertain significance. Last evaluated: 2023-03-01. Review status: criteria provided, single submitter. Criteria: Invitae Variant Classification Sherloc (09022015). Collection method: clinical testing. Allele origin: germline.
Comment: This sequence change replaces glutamine, which is neutral and polar, with glutamic acid, which is acidic and polar, at codon 276 of the MAP3K8 protein (p.Gln276Glu). This variant is not present in population databases (gnomAD no frequency). This variant has not been reported in the literature in individuals affected with MAP3K8-related conditions. An algorithm developed to predict the effect of missense changes on protein structure and function (PolyPhen-2) suggests that this variant is likely to be tolerated. In summary, the available evidence is currently insufficient to determine the role of this variant in disease. Therefore, it has been classified as a Variant of Uncertain Significance.

NM_005204.4(MAP3K8):c.826C>G (p.Gln276Glu)

Gene: MAP3K8 (mitogen-activated protein kinase kinase kinase 8; plus strand). Cytogenetic location: 10p11.23.
Variant type: single nucleotide variant.
Coding change: c.826C>G on transcript NM_005204.4 (MANE Select); coding-DNA position 826, C replaced by G.
Protein change: p.Gln276Glu; replaces glutamine 276 with glutamic acid.
Molecular consequence: missense variant.
Genome position (GRCh38, 1-based): chr10:30,451,697, C>G. VCF-style: chr10-30451697-C-G. GRCh37 (hg19) VCF-style: chr10-30740626-C-G.
Other names: c.826C>G, p.Gln276Glu (NM_001244134.1, NM_001320961.2); short protein forms Q276E.
Identifiers: ClinVar variation 2959885 (VCV002959885.3), dbSNP rs954461874, ClinGen allele CA205314889.